The following is an entry in ClinVar:

NM_024642.5(GALNT12):c.58G>T (p.Ala20Ser)

Genes: GALNT12 (polypeptide N-acetylgalactosaminyltransferase 12; plus strand), LOC130002222 (ATAC-STARR-seq lymphoblastoid silent region 20123; plus strand). Cytogenetic location: 9q22.33.
Variant type: single nucleotide variant.
Coding change: c.58G>T on transcript NM_024642.5 (MANE Select); coding-DNA position 58, G replaced by T.
Protein change: p.Ala20Ser; replaces alanine 20 with serine.
Molecular consequence: missense variant.
Genome position (GRCh38, 1-based): chr9:98,807,756, G>T. VCF-style: chr9-98807756-G-T. GRCh37 (hg19) VCF-style: chr9-101570038-G-T.
Other names: short protein forms A20S.
Identifiers: ClinVar variation 2753190 (VCV002753190.3), dbSNP rs2490454847, ClinGen allele CA374222147.

ClinVar aggregate classification (germline): Uncertain significance (1 of 4 stars; one submission).

Submission:

Labcorp Genetics (formerly Invitae), Labcorp
Classification: Uncertain significance. Last evaluated: 2023-10-17. Review status: criteria provided, single submitter. Criteria: Invitae Variant Classification Sherloc (09022015). Collection method: clinical testing. Allele origin: germline.
Comment: This sequence change replaces alanine, which is neutral and non-polar, with serine, which is neutral and polar, at codon 20 of the GALNT12 protein (p.Ala20Ser). This variant is not present in population databases (gnomAD no frequency). This variant has not been reported in the literature in individuals affected with GALNT12-related conditions. An algorithm developed to predict the effect of missense changes on protein structure and function (PolyPhen-2) suggests that this variant is likely to be tolerated. In summary, the available evidence is currently insufficient to determine the role of this variant in disease. Therefore, it has been classified as a Variant of Uncertain Significance.